The following is an entry in ClinVar:

ClinVar aggregate classification (germline): Uncertain significance (1 of 4 stars; one submission).

Submission:

GeneDx
Classification: Uncertain significance. Last evaluated: 2024-07-02. Review status: criteria provided, single submitter. Criteria: GeneDx Variant Classification Process June 2021. Collection method: clinical testing. Allele origin: germline. Affected: yes.
Comment: Not observed at significant frequency in large population cohorts (gnomAD); In silico analysis supports that this missense variant has a deleterious effect on protein structure/function; Has not been previously published as pathogenic or benign to our knowledge

NM_030632.3(ASXL3):c.5256G>T (p.Gln1752His)

Gene: ASXL3 (ASXL transcriptional regulator 3; plus strand). Cytogenetic location: 18q12.1.
Variant type: single nucleotide variant.
Coding change: c.5256G>T on transcript NM_030632.3 (MANE Select); coding-DNA position 5256, G replaced by T.
Protein change: p.Gln1752His; replaces glutamine 1752 with histidine.
Molecular consequence: missense variant.
Genome position (GRCh38, 1-based): chr18:33,745,104, G>T. VCF-style: chr18-33745104-G-T. GRCh37 (hg19) VCF-style: chr18-31325068-G-T.
Other names: short protein forms Q1752H.
Identifiers: ClinVar variation 3393827 (VCV003393827.1).